The following is an entry in ClinVar:

NM_201596.3(CACNB2):c.916G>C (p.Asp306His)

Gene: CACNB2 (calcium voltage-gated channel auxiliary subunit beta 2; plus strand). Cytogenetic location: 10p12.31.
Variant type: single nucleotide variant.
Coding change: c.916G>C on transcript NM_201596.3 (MANE Select); coding-DNA position 916, G replaced by C.
Protein change: p.Asp306His; replaces aspartic acid 306 with histidine.
Molecular consequence: missense variant.
Genome position (GRCh38, 1-based): chr10:18,518,940, G>C. VCF-style: chr10-18518940-G-C. GRCh37 (hg19) VCF-style: chr10-18807869-G-C.
Other names: c.751G>C, p.Asp251His (NM_000724.4); c.718G>C, p.Asp240His (NM_001167945.2); c.637G>C, p.Asp213His (NM_001330060.2); c.658G>C, p.Asp220His (NM_001410882.1); c.772G>C, p.Asp258His (NM_201570.3); c.832G>C, p.Asp278His (NM_201571.4); c.760G>C, p.Asp254His (NM_201572.4); c.754G>C, p.Asp252His (NM_201590.3); and 2 more; short protein forms D213H, D220H, D240H, D251H, D252H, D254H, D258H, D268H.
Identifiers: ClinVar variation 4868124 (VCV004868124.1).

ClinVar aggregate classification (germline): Uncertain significance (1 of 4 stars; one submission).

Conditions:
Cardiovascular phenotype. Identifiers: MedGen CN230736.

Submission:

Ambry Genetics
Classification: Uncertain significance for Cardiovascular phenotype. Last evaluated: 2026-04-09. Review status: criteria provided, single submitter. Criteria: Ambry Variant Classification Scheme 2023. Collection method: clinical testing. Allele origin: germline.
Comment: The p.D252H variant (also known as c.754G>C), located in coding exon 8 of the CACNB2 gene, results from a G to C substitution at nucleotide position 754. The aspartic acid at codon 252 is replaced by histidine, an amino acid with similar properties. This amino acid position is conserved. In addition, this alteration is predicted to be deleterious by in silico analysis. Based on the available evidence, the clinical significance of this variant remains unclear.